The following is an entry in ClinVar:

ClinVar aggregate classification (germline): Likely pathogenic. Review status: criteria provided, multiple submitters, no conflicts (2 of 4 stars). 2 submissions from 2 submitters: Likely pathogenic (2). Last evaluated 2025-04-10.

Conditions:
Ataxia-telangiectasia syndrome (AT). Also called: ATAXIA-TELANGIECTASIA, COMPLEMENTATION GROUP A; ATAXIA-TELANGIECTASIA, FRESNO VARIANT; Ataxia-telangiectasia; Ataxia-telangiectasia, complementation group E; LOUIS-BAR SYNDROME; Cerebello-oculocutaneous telangiectasia. Identifiers: Orphanet 100, MedGen C0004135, MONDO:0008840, OMIM 208900.
Hereditary cancer-predisposing syndrome. Also called: Tumor predisposition; Hereditary Cancer Syndrome; Hereditary neoplastic syndrome; Neoplastic Syndromes, Hereditary. Identifiers: Orphanet 140162, MedGen C0027672, MeSH D009386, MONDO:0015356.

Submissions (2):

Ambry Genetics
Classification: Likely pathogenic for Hereditary cancer-predisposing syndrome. Last evaluated: 2025-04-10. Review status: criteria provided, single submitter. Criteria: Ambry Variant Classification Scheme 2023. Collection method: clinical testing. Allele origin: germline.
Comment: The p.G2765A variant (also known as c.8294G>C), located in coding exon 56 of the ATM gene, results from a G to C substitution at nucleotide position 8294. The glycine at codon 2765 is replaced by alanine, an amino acid with similar properties. Based on internal structural analysis, this variant is anticipated to result in a significant decrease in structural stability (Warren C et al. Elife, 2022 Jan;11; Ambry internal data). This variant is considered to be rare based on population cohorts in the Genome Aggregation Database (gnomAD). This amino acid position is highly conserved in available vertebrate species. In addition, this alteration is predicted to be deleterious by in silico analysis. Based on the majority of available evidence to date, this variant is likely to be pathogenic.

Labcorp Genetics (formerly Invitae), Labcorp
Classification: Likely pathogenic for Ataxia-telangiectasia syndrome. Last evaluated: 2023-06-09. Review status: criteria provided, single submitter. Criteria: Invitae Variant Classification Sherloc (09022015). Collection method: clinical testing. Allele origin: germline.
Comment: An algorithm developed to predict the effect of missense changes on protein structure and function (PolyPhen-2) suggests that this variant is likely to be disruptive. ClinVar contains an entry for this variant (Variation ID: 2082903). This variant has not been reported in the literature in individuals affected with ATM-related conditions. This variant is not present in population databases (gnomAD no frequency). This sequence change replaces glycine, which is neutral and non-polar, with alanine, which is neutral and non-polar, at codon 2765 of the ATM protein (p.Gly2765Ala). This variant disrupts the p.Gly2765Ser amino acid residue in ATM. Other variant(s) that disrupt this residue have been determined to be pathogenic (PMID: 19431188, 21792198; Invitae). This suggests that this residue is clinically significant, and that variants that disrupt this residue are likely to be disease-causing. In summary, the currently available evidence indicates that the variant is pathogenic, but additional data are needed to prove that conclusively. Therefore, this variant has been classified as Likely Pathogenic.

Literature cited by the submitters: PubMed 35076389 (cited by Ambry Genetics); PubMed 19431188 (cited by Labcorp Genetics (formerly Invitae), Labcorp); PubMed 21792198 (cited by Labcorp Genetics (formerly Invitae), Labcorp).

NM_000051.4(ATM):c.8294G>C (p.Gly2765Ala)

Genes: ATM (ATM serine/threonine kinase; plus strand), C11orf65 (chromosome 11 open reading frame 65; minus strand). Cytogenetic location: 11q22.3.
Variant type: single nucleotide variant.
Coding change: c.8294G>C on transcript NM_000051.4 (MANE Select); coding-DNA position 8294, G replaced by C.
Protein change: p.Gly2765Ala; replaces glycine 2765 with alanine.
Molecular consequence: missense variant. On other transcripts: intron variant (2).
Genome position (GRCh38, 1-based): chr11:108,343,247, G>C. VCF-style: chr11-108343247-G-C. GRCh37 (hg19) VCF-style: chr11-108213974-G-C.
Other names: c.8294G>C, p.Gly2765Ala (NM_001351834.2); c.641-34176C>G (NM_001330368.2); c.695-7955C>G (NM_001351110.2); short protein forms G2765A.
Identifiers: ClinVar variation 2082903 (VCV002082903.5), dbSNP rs1565557835, ClinGen allele CA382516330.